The following is an entry in ClinVar:

NM_017514.5(PLXNA3):c.889C>G (p.Leu297Val)

Gene: PLXNA3 (plexin A3; plus strand). Cytogenetic location: Xq28.
Variant type: single nucleotide variant.
Coding change: c.889C>G on transcript NM_017514.5 (MANE Select); coding-DNA position 889, C replaced by G.
Protein change: p.Leu297Val; replaces leucine 297 with valine.
Molecular consequence: missense variant.
Genome position (GRCh38, 1-based): chrX:154,461,393, C>G. VCF-style: chrX-154461393-C-G. GRCh37 (hg19) VCF-style: chrX-153689733-C-G.
Other names: short protein forms L297V.
Identifiers: ClinVar variation 3352325 (VCV003352325.1).

ClinVar aggregate classification (germline): Uncertain significance (0 of 4 stars; one submission).

Conditions:
PLXNA3-related disorder. Also called: PLXNA3-related condition.

Submission:

PreventionGenetics, part of Exact Sciences
Classification: Uncertain significance for PLXNA3-related condition. Last evaluated: 2024-07-03. Review status: no assertion criteria provided. Collection method: clinical testing. Allele origin: germline.
Comment: The PLXNA3 c.889C>G variant is predicted to result in the amino acid substitution p.Leu297Val. To our knowledge, this variant has not been reported in the literature or in a large population database, indicating this variant is rare. At this time, the clinical significance of this variant is uncertain due to the absence of conclusive functional and genetic evidence.